The following is an entry in ClinVar:

ClinVar aggregate classification (germline): Benign/Likely benign. Review status: criteria provided, multiple submitters, no conflicts (2 of 4 stars). 3 submissions from 3 submitters: Benign (1); Likely benign (2). Last evaluated 2025-07-22.

Conditions:
Familial cancer of breast. Also called: BREAST CANCER, FAMILIAL; Hereditary breast cancer; hereditary breast carcinoma. Identifiers: Orphanet 227535, MedGen C0346153, MONDO:0016419, OMIM 114480. Disease mechanism: loss of function.
Ataxia-telangiectasia syndrome (AT). Also called: Cerebello-oculocutaneous telangiectasia; Immunodeficiency with ataxia telangiectasia; Ataxia-telangiectasia, complementation group E; Ataxia-telangiectasia, complementation group D; AT, COMPLEMENTATION GROUP C; ATAXIA-TELANGIECTASIA, COMPLEMENTATION GROUP A. Identifiers: Orphanet 100, MedGen C0004135, MONDO:0008840, OMIM 208900.

Submissions (3):

Labcorp Genetics (formerly Invitae), Labcorp
Classification: Benign for Ataxia-telangiectasia syndrome. Last evaluated: 2025-07-22. Review status: criteria provided, single submitter. Criteria: Invitae Variant Classification Sherloc (09022015). Collection method: clinical testing. Allele origin: germline.

Myriad Genetics, Inc.
Classification: Likely benign for Familial cancer of breast. Last evaluated: 2024-06-17. Review status: criteria provided, single submitter. Criteria: Myriad Autosomal Dominant, Autosomal Recessive and X-Linked Classification Criteria (2023). Collection method: clinical testing. Allele origin: unknown.
Comment: This variant is considered likely benign. This variant is intronic and is not expected to impact mRNA splicing.

GeneDx
Classification: Likely benign. Last evaluated: 2018-01-23. Review status: criteria provided, single submitter. Criteria: GeneDx Variant Classification (06012015). Collection method: clinical testing. Allele origin: germline. Affected: yes.
Comment: This variant is considered likely benign or benign based on one or more of the following criteria: it is a conservative change, it occurs at a poorly conserved position in the protein, it is predicted to be benign by multiple in silico algorithms, and/or has population frequency not consistent with disease.

NM_000051.4(ATM):c.7789-9dup

Genes: ATM (ATM serine/threonine kinase; plus strand), C11orf65 (chromosome 11 open reading frame 65; minus strand). Cytogenetic location: 11q22.3.
Variant type: Duplication.
Coding change: c.7789-9dup on transcript NM_000051.4 (MANE Select); 9 bases into the intron before coding-DNA position 7789, one base duplicated (T; older notation c.7789-9dupT).
Molecular consequence: intron variant.
Genome position (GRCh38, 1-based): chr11:108,332,753, T duplicated; the last of 6 consecutive T bases (chr11:108,332,748-108,332,753); duplicating any one gives the same sequence. VCF-style (leftmost placement, unchanged base first): chr11-108332747-G-GT. GRCh37 (hg19) VCF-style: chr11-108203474-G-GT.
Other names: c.7789-9dupT (NM_000051.3); c.7789-9dup (NM_001351834.2); c.641-23677dup (NM_001330368.2); c.*38+2472dup (NM_001351110.2).
Identifiers: ClinVar variation 515109 (VCV000515109.5), dbSNP rs1555125203, ClinGen allele CA658797743.